The following is an entry in ClinVar:

NM_032608.7(MYO18B):c.3520A>T (p.Lys1174Ter)

Gene: MYO18B (myosin XVIIIB; plus strand). Cytogenetic location: 22q12.1.
Variant type: single nucleotide variant.
Coding change: c.3520A>T on transcript NM_032608.7 (MANE Select); coding-DNA position 3520, A replaced by T.
Protein change: p.Lys1174Ter; replaces lysine 1174 with a stop codon.
Molecular consequence: nonsense.
Genome position (GRCh38, 1-based): chr22:25,846,251, A>T. VCF-style: chr22-25846251-A-T. GRCh37 (hg19) VCF-style: chr22-26242218-A-T.
Other names: c.3523A>T, p.Lys1175Ter (NM_001318245.2); short protein forms K1175*, K1174*.
Identifiers: ClinVar variation 2707517 (VCV002707517.3), dbSNP rs2517583529, ClinGen allele CA410999470.

ClinVar aggregate classification (germline): Pathogenic (1 of 4 stars; one submission).

Submission:

Labcorp Genetics (formerly Invitae), Labcorp
Classification: Pathogenic. Last evaluated: 2026-01-12. Review status: criteria provided, single submitter. Criteria: Invitae Variant Classification Sherloc (09022015). Collection method: clinical testing. Allele origin: germline.
Comment: This sequence change creates a premature translational stop signal (p.Lys1174*) in the MYO18B gene. It is expected to result in an absent or disrupted protein product. Loss-of-function variants in MYO18B are known to be pathogenic (PMID: 25748484, 32184166, 32637634). This variant is not present in population databases (gnomAD no frequency). This variant has not been reported in the literature in individuals affected with MYO18B-related conditions. ClinVar contains an entry for this variant (Variation ID: 2707517). Algorithms developed to predict the effect of sequence changes on RNA splicing suggest that this variant may disrupt the consensus splice site. For these reasons, this variant has been classified as Pathogenic.

Literature cited by the submitters: PubMed 25748484; PubMed 32184166; PubMed 32637634.